The following is an entry in ClinVar:

NM_001191061.2(SLC25A22):c.568_587+6del

Gene: SLC25A22 (solute carrier family 25 member 22; minus strand). Cytogenetic location: 11p15.5.
Variant type: Deletion.
Coding change: c.568_587+6del on transcript NM_001191061.2 (MANE Select); coding-DNA position 568 through 6 bases into the intron after coding-DNA position 587, 26 bases deleted (CTCGGGGCCACGCTGCTCAGGTAGGA).
Molecular consequence: splice donor variant.
Genome position (GRCh38, 1-based): chr11:792,547-792,572, TCCTACCTGAGCAGCGTGGCCCCGAG deleted on the plus strand (CTCGGGGCCACGCTGCTCAGGTAGGA on the coding strand, the reverse complement: SLC25A22 is on the minus strand); deleting any 26 consecutive bases within chr11:792,547-792,575 gives the same sequence; the c. name uses the placement nearest the transcript's 3' end. VCF-style (leftmost placement, unchanged base first): chr11-792546-CTCCTACCTGAGCAGCGTGGCCCCGAG-C. GRCh37 (hg19) VCF-style: chr11-792546-CTCCTACCTGAGCAGCGTGGCCCCGAG-C.
Other names: c.568_587+6del (NM_001191060.2, NM_024698.6).
Identifiers: ClinVar variation 1524607 (VCV001524607.7), dbSNP rs2133700632, ClinGen allele CA2573147244.

ClinVar aggregate classification (germline): Likely pathogenic (1 of 4 stars; one submission).

Conditions:
Early-infantile DEE. Also called: Early infantile epileptic encephalopathy; Early infantile epileptic encephalopathy with suppression bursts; Ohtahara syndrome. Identifiers: Orphanet 1934, MedGen C0393706, MONDO:0800491.

Submission:

Labcorp Genetics (formerly Invitae), Labcorp
Classification: Likely pathogenic for Early-infantile DEE. Last evaluated: 2022-10-17. Review status: criteria provided, single submitter. Criteria: Invitae Variant Classification Sherloc (09022015). Collection method: clinical testing. Allele origin: germline.
Comment: ClinVar contains an entry for this variant (Variation ID: 1524607). This variant has not been reported in the literature in individuals affected with SLC25A22-related conditions. This variant is not present in population databases (gnomAD no frequency). This variant results in the deletion of part of exon 7 (c.568_587+6del) of the SLC25A22 gene. It is expected to disrupt RNA splicing. Variants that disrupt the donor or acceptor splice site typically lead to a loss of protein function (PMID: 16199547), and loss-of-function variants in SLC25A22 are known to be pathogenic (PMID: 15592994, 19780765). In summary, the currently available evidence indicates that the variant is pathogenic, but additional data are needed to prove that conclusively. Therefore, this variant has been classified as Likely Pathogenic. Algorithms developed to predict the effect of sequence changes on RNA splicing suggest that this variant may disrupt the consensus splice site.

Literature cited by the submitters: PubMed 16199547; PubMed 15592994; PubMed 19780765.